The following is an entry in ClinVar:

NM_000368.5(TSC1):c.1039T>G (p.Trp347Gly)

Gene: TSC1 (TSC complex subunit 1; minus strand). Cytogenetic location: 9q34.13.
Variant type: single nucleotide variant.
Coding change: c.1039T>G on transcript NM_000368.5 (MANE Select); coding-DNA position 1039, T replaced by G.
Protein change: p.Trp347Gly; replaces tryptophan 347 with glycine.
Molecular consequence: missense variant.
Genome position (GRCh38, 1-based): chr9:132,911,104, A>C on the plus strand (T>G on the coding strand, the complement: TSC1 is on the minus strand). VCF-style: chr9-132911104-A-C. GRCh37 (hg19) VCF-style: chr9-135786491-A-C.
Other names: c.1039T>G, p.Trp347Gly (NM_001162426.2); c.886T>G, p.Trp296Gly (NM_001162427.2); c.676T>G, p.Trp226Gly (NM_001362177.2); short protein forms W226G, W296G, W347G.
Identifiers: ClinVar variation 1036335 (VCV001036335.8), dbSNP rs1175861603, ClinGen allele CA375367874.

ClinVar aggregate classification (germline): Uncertain significance (1 of 4 stars; one submission).

Conditions:
Tuberous sclerosis 1 (TSC1). Identifiers: Orphanet 805, MedGen C1854465, MONDO:0008612, OMIM 191100.

Submission:

Labcorp Genetics (formerly Invitae), Labcorp
Classification: Uncertain significance for Tuberous sclerosis 1. Last evaluated: 2020-11-01. Review status: criteria provided, single submitter. Criteria: Invitae Variant Classification Sherloc (09022015). Collection method: clinical testing. Allele origin: germline.
Comment: This sequence change replaces tryptophan with glycine at codon 347 of the TSC1 protein (p.Trp347Gly). The tryptophan residue is highly conserved and there is a large physicochemical difference between tryptophan and glycine. This variant is not present in population databases (ExAC no frequency). This variant has not been reported in the literature in individuals with TSC1-related conditions. Algorithms developed to predict the effect of missense changes on protein structure and function are either unavailable or do not agree on the potential impact of this missense change (SIFT: "Tolerated"; PolyPhen-2: "Probably Damaging"; Align-GVGD: "Class C0"). In summary, the available evidence is currently insufficient to determine the role of this variant in disease. Therefore, it has been classified as a Variant of Uncertain Significance.